The following is an entry in ClinVar:

ClinVar aggregate classification (germline): Uncertain significance (1 of 4 stars; one submission).

Conditions:
Cardiovascular phenotype. Identifiers: MedGen CN230736.

Allele frequency attached by ClinVar (database versions not stated): TOPMed below 0.00001; gnomAD 0.00001.

Submission:

Ambry Genetics
Classification: Uncertain significance for Cardiovascular phenotype. Last evaluated: 2023-10-12. Review status: criteria provided, single submitter. Criteria: Ambry Variant Classification Scheme 2023. Collection method: clinical testing. Allele origin: germline.
Comment: The p.E3117G variant (also known as c.9350A>G), located in coding exon 26 of the TNXB gene, results from an A to G substitution at nucleotide position 9350. The glutamic acid at codon 3117 is replaced by glycine, an amino acid with similar properties. This amino acid position is conserved. In addition, this alteration is predicted to be tolerated by in silico analysis. Since supporting evidence is limited at this time, the clinical significance of this alteration remains unclear.

NM_001365276.2(TNXB):c.9356A>G (p.Glu3119Gly)

Gene: TNXB (tenascin XB; minus strand). Cytogenetic location: 6p21.33.
Variant type: single nucleotide variant.
Coding change: c.9356A>G on transcript NM_001365276.2 (MANE Select); coding-DNA position 9356, A replaced by G.
Protein change: p.Glu3119Gly; replaces glutamic acid 3119 with glycine.
Molecular consequence: missense variant.
Genome position (GRCh38, 1-based): chr6:32,050,081, T>C on the plus strand (A>G on the coding strand, the complement: TNXB is on the minus strand). VCF-style: chr6-32050081-T-C. GRCh37 (hg19) VCF-style: chr6-32017858-T-C.
Other names: c.10097A>G, p.Glu3366Gly (NM_001428335.1); c.9350A>G, p.Glu3117Gly (NM_019105.8); short protein forms E3117G, E3119G, E3366G.
Identifiers: ClinVar variation 3227362 (VCV003227362.1), dbSNP rs1777176255, ClinGen allele CA363540268.